The following is an entry in ClinVar:

ClinVar aggregate classification (germline): Uncertain significance (1 of 4 stars; one submission).

Conditions:
Neuronopathy, distal hereditary motor, autosomal recessive 4. Also called: NEUROPATHY, DISTAL HEREDITARY MOTOR, AUTOSOMAL RECESSIVE 4; Autosomal recessive lower motor neuron disease with childhood onset. Identifiers: Orphanet 206580, MedGen C1970211, MONDO:0012608, OMIM 611067.
Charcot-Marie-Tooth disease recessive intermediate C. Also called: CHARCOT-MARIE-TOOTH NEUROPATHY, RECESSIVE INTERMEDIATE C. Identifiers: Orphanet 369867, MedGen C3809309, MONDO:0014154, OMIM 615376.

Allele frequency attached by ClinVar (database versions not stated): gnomAD exomes 0.00001; TOPMed 0.00001; ExAC 0.00002.
gnomAD v4.1: 5 of 1,610,054 alleles (0.00031%); highest among the groups gnomAD compares: East Asian, 0.011%; no homozygotes.

Submission:

Labcorp Genetics (formerly Invitae), Labcorp
Classification: Uncertain significance for Neuronopathy, distal hereditary motor, autosomal recessive 4; Charcot-Marie-Tooth disease recessive intermediate C. Last evaluated: 2022-04-16. Review status: criteria provided, single submitter. Criteria: Invitae Variant Classification Sherloc (09022015). Collection method: clinical testing. Allele origin: germline.
Comment: This sequence change replaces lysine, which is basic and polar, with glutamic acid, which is acidic and polar, at codon 982 of the PLEKHG5 protein (p.Lys982Glu). This variant is present in population databases (rs766598822, gnomAD 0.04%). This variant has not been reported in the literature in individuals affected with PLEKHG5-related conditions. Algorithms developed to predict the effect of missense changes on protein structure and function are either unavailable or do not agree on the potential impact of this missense change (SIFT: "Tolerated"; PolyPhen-2: "Probably Damaging"; Align-GVGD: "Class C0"). In summary, the available evidence is currently insufficient to determine the role of this variant in disease. Therefore, it has been classified as a Variant of Uncertain Significance.

NM_020631.6(PLEKHG5):c.2944A>G (p.Lys982Glu)

Gene: PLEKHG5 (pleckstrin homology and RhoGEF domain containing G5; minus strand). Cytogenetic location: 1p36.31.
Variant type: single nucleotide variant.
Coding change: c.2944A>G on transcript NM_020631.6 (MANE Select); coding-DNA position 2944, A replaced by G.
Protein change: p.Lys982Glu; replaces lysine 982 with glutamic acid.
Molecular consequence: missense variant.
Genome position (GRCh38, 1-based): chr1:6,467,892, T>C on the plus strand (A>G on the coding strand, the complement: PLEKHG5 is on the minus strand). VCF-style: chr1-6467892-T-C. GRCh37 (hg19) VCF-style: chr1-6527952-T-C.
Other names: c.3055A>G, p.Lys1019Glu (NM_001042663.3, NM_001265592.2); c.2944A>G, p.Lys982Glu (NM_001042664.2, NM_001042665.2, NM_198681.4); c.3151A>G, p.Lys1051Glu (NM_001265593.2); c.2744A>G, p.Glu915Gly (NM_001265594.3); short protein forms E915G, K982E, K1051E, K1019E.
Identifiers: ClinVar variation 1980677 (VCV001980677.1), dbSNP rs766598822, ClinGen allele CA561060.